The following is an entry in ClinVar:

NM_000222.3(KIT):c.899A>G (p.Asn300Ser)

Gene: KIT (KIT proto-oncogene, receptor tyrosine kinase; plus strand). Cytogenetic location: 4q12.
Variant type: single nucleotide variant.
Coding change: c.899A>G on transcript NM_000222.3 (MANE Select); coding-DNA position 899, A replaced by G.
Protein change: p.Asn300Ser; replaces asparagine 300 with serine.
Molecular consequence: missense variant.
Genome position (GRCh38, 1-based): chr4:54,703,866, A>G. VCF-style: chr4-54703866-A-G. GRCh37 (hg19) VCF-style: chr4-55570032-A-G.
Other names: c.899A>G, p.Asn300Ser (NM_001093772.2, NM_001385285.1, NM_001385286.1); c.902A>G, p.Asn301Ser (NM_001385284.1, NM_001385288.1, NM_001385290.1 and 1 more transcripts); short protein forms N300S, N301S.
Identifiers: ClinVar variation 237286 (VCV000237286.12), dbSNP rs878853770, ClinGen allele CA10582255.

ClinVar aggregate classification (germline): Uncertain significance. Review status: criteria provided, multiple submitters, no conflicts (2 of 4 stars). 2 submissions from 2 submitters: Uncertain significance (2). Last evaluated 2025-05-05.

Conditions:
Hereditary cancer-predisposing syndrome. Also called: Neoplastic Syndromes, Hereditary; Hereditary neoplastic syndrome; Hereditary Cancer Syndrome; Tumor predisposition. Identifiers: Orphanet 140162, MedGen C0027672, MeSH D009386, MONDO:0015356.
Gastrointestinal stromal tumor. Also called: Gastrointestinal stromal tumor, somatic; Gastrointestinal stroma tumor. Identifiers: Orphanet 44890, MedGen C0238198, MeSH D046152, MONDO:0011719, OMIM 606764, HP:0100723.

Allele frequency attached by ClinVar (database versions not stated): gnomAD exomes below 0.00001; TOPMed below 0.00001.
gnomAD v4.1: 1 of 1,613,920 alleles (0.000062%); highest among the groups gnomAD compares: Non-Finnish European, 0.000085%; no homozygotes.

Submissions (2):

Labcorp Genetics (formerly Invitae), Labcorp
Classification: Uncertain significance for Gastrointestinal stromal tumor. Last evaluated: 2025-05-05. Review status: criteria provided, single submitter. Criteria: Invitae Variant Classification Sherloc (09022015). Collection method: clinical testing. Allele origin: germline.
Comment: This sequence change replaces asparagine, which is neutral and polar, with serine, which is neutral and polar, at codon 300 of the KIT protein (p.Asn300Ser). This variant is not present in population databases (gnomAD no frequency). This variant has not been reported in the literature in individuals affected with KIT-related conditions. ClinVar contains an entry for this variant (Variation ID: 237286). An algorithm developed to predict the effect of missense changes on protein structure and function (PolyPhen-2) suggests that this variant is likely to be tolerated. In summary, the available evidence is currently insufficient to determine the role of this variant in disease. Therefore, it has been classified as a Variant of Uncertain Significance.

Ambry Genetics
Classification: Uncertain significance for Hereditary cancer-predisposing syndrome. Last evaluated: 2024-03-22. Review status: criteria provided, single submitter. Criteria: Ambry Variant Classification Scheme 2023. Collection method: clinical testing. Allele origin: germline.
Comment: The p.N300S variant (also known as c.899A>G), located in coding exon 5 of the KIT gene, results from an A to G substitution at nucleotide position 899. The asparagine at codon 300 is replaced by serine, an amino acid with highly similar properties. This amino acid position is conserved. In addition, this alteration is predicted to be tolerated by in silico analysis. Since supporting evidence is limited at this time, the clinical significance of this alteration remains unclear.